The following is an entry in ClinVar:

ClinVar aggregate classification (germline): Likely benign. Review status: criteria provided, multiple submitters, no conflicts (2 of 4 stars). 3 submissions from 3 submitters: Likely benign (3). Last evaluated 2025-12-29.

Conditions:
Familial cancer of breast. Also called: Hereditary breast cancer; hereditary breast carcinoma; BREAST CANCER, FAMILIAL. Identifiers: Orphanet 227535, MedGen C0346153, MONDO:0016419, OMIM 114480. Disease mechanism: loss of function.
Ataxia-telangiectasia syndrome (AT). Also called: Ataxia telangiectasia (A-T); ATAXIA-TELANGIECTASIA, COMPLEMENTATION GROUP A; ATAXIA-TELANGIECTASIA, FRESNO VARIANT; Ataxia-telangiectasia; Ataxia-telangiectasia, complementation group E; LOUIS-BAR SYNDROME. Identifiers: Orphanet 100, MedGen C0004135, MONDO:0008840, OMIM 208900.

Submissions (3):

Center for Genomic Medicine, Rigshospitalet, Copenhagen University Hospital
Classification: Likely benign. Last evaluated: 2025-12-29. Review status: criteria provided, single submitter. Criteria: ACMG Guidelines, 2015. Collection method: clinical testing. Allele origin: germline.

Myriad Genetics, Inc.
Classification: Likely benign for Familial cancer of breast. Last evaluated: 2024-06-18. Review status: criteria provided, single submitter. Criteria: Myriad Autosomal Dominant, Autosomal Recessive and X-Linked Classification Criteria (2023). Collection method: clinical testing. Allele origin: unknown.
Comment: This variant is considered likely benign. This variant is intronic and is not expected to impact mRNA splicing.

Labcorp Genetics (formerly Invitae), Labcorp
Classification: Likely benign for Ataxia-telangiectasia syndrome. Last evaluated: 2020-06-10. Review status: criteria provided, single submitter. Criteria: Invitae Variant Classification Sherloc (09022015). Collection method: clinical testing. Allele origin: germline.

NM_000051.4(ATM):c.8011-6T>C

Genes: ATM (ATM serine/threonine kinase; plus strand), C11orf65 (chromosome 11 open reading frame 65; minus strand). Cytogenetic location: 11q22.3.
Variant type: single nucleotide variant.
Coding change: c.8011-6T>C on transcript NM_000051.4 (MANE Select); 6 bases into the intron before coding-DNA position 8011, T replaced by C.
Molecular consequence: intron variant.
Genome position (GRCh38, 1-based): chr11:108,334,963, T>C. VCF-style: chr11-108334963-T-C. GRCh37 (hg19) VCF-style: chr11-108205690-T-C.
Other names: c.8011-6T>C (NM_001351834.2); c.641-25892A>G (NM_001330368.2); c.*38+257A>G (NM_001351110.2).
Identifiers: ClinVar variation 1135771 (VCV001135771.10), dbSNP rs762092284, ClinGen allele CA6266265.
Genomic context (GRCh38, chr11:108,334,963, plus strand): 5'-TGTATTTTTCTTTAAGTGCAAATAGTGTATCTGACCTATTATCAATCATGTTTATACTTT[T>C]ATTAGGTGGACCACACAGGAGAATATGGAAATCTGGTGACTATACAGTCATTTAAAGCAG-3'